The following is an entry in ClinVar:

ClinVar aggregate classification (germline): Pathogenic (1 of 4 stars; one submission).

Submission:

Labcorp Genetics (formerly Invitae), Labcorp
Classification: Pathogenic. Last evaluated: 2019-11-18. Review status: criteria provided, single submitter. Criteria: Invitae Variant Classification Sherloc (09022015). Collection method: clinical testing. Allele origin: germline.
Comment: For these reasons, this variant has been classified as Pathogenic. Loss-of-function variants in ADAM9 are known to be pathogenic (PMID: 19409519). This variant has not been reported in the literature in individuals with ADAM9-related conditions. This variant is not present in population databases (ExAC no frequency). This sequence change creates a premature translational stop signal (p.Cys656*) in the ADAM9 gene. It is expected to result in an absent or disrupted protein product.

Literature cited by the submitters: PubMed 19409519.

NM_003816.3(ADAM9):c.1968T>A (p.Cys656Ter)

Gene: ADAM9 (ADAM metallopeptidase domain 9; plus strand). Cytogenetic location: 8p11.22.
Variant type: single nucleotide variant.
Coding change: c.1968T>A on transcript NM_003816.3 (MANE Select); coding-DNA position 1968, T replaced by A.
Protein change: p.Cys656Ter; replaces cysteine 656 with a stop codon.
Molecular consequence: nonsense. On other transcripts: non-coding transcript variant (1).
Genome position (GRCh38, 1-based): chr8:39,082,973, T>A. VCF-style: chr8-39082973-T-A. GRCh37 (hg19) VCF-style: chr8-38940492-T-A.
Other names: short protein forms C656*.
Identifiers: ClinVar variation 862925 (VCV000862925.6), dbSNP rs1422732315, ClinGen allele CA370747671.
Genomic context (GRCh38, chr8:39,082,973, plus strand): 5'-ATGATATAGAGCAACATTCACAATTAACAAAAGTGGTATTTTGATTGTTTTGAAGGTATG[T>A]AATAGCAATAAGAATTGTCACTGTGAAAATGGCTGGGCTCCCCCAAATTGTGAGACTAAA-3'